The following is an entry in ClinVar:

NC_000008.11:g.1800857A>G

Gene: LOC126860278 (CDK7 strongly-dependent group 2 enhancer GRCh37_chr8:1748222-1749421; plus strand). Cytogenetic location: 8p23.3.
Variant type: single nucleotide variant.
Genome position: GRCh38 VCF-style: chr8-1800857-A-G. GRCh37 (hg19) VCF-style: chr8-1749023-A-G.
Identifiers: ClinVar variation 3255283 (VCV003255283.2), dbSNP rs6998465.

ClinVar aggregate classification (germline): Benign (1 of 4 stars; one submission).

Allele frequency attached by ClinVar (database versions not stated): 1000 Genomes Project 0.18311; 1000 Genomes Project 30x 0.18332; TOPMed 0.24181; gnomAD 0.24515; gnomAD exomes 0.26447.

Submission:

Unidad de Genómica Garrahan, Hospital de Pediatría Garrahan
Classification: Benign. Last evaluated: 2024-07-15. Review status: criteria provided, single submitter. Criteria: ACMG Guidelines, 2015. Collection method: clinical testing. Allele origin: germline. Affected: no. Observed: 34 variant alleles.
Comment: This variant is classified as Benign based on local population frequency. This variant was detected in 37% of patients studied in a panel designed for Epileptic and Developmental Encephalopathy and Progressive Myoclonus Epilepsy. Number of patients: 34. Only high quality variants are reported.